The following is an entry in ClinVar:

NM_032043.3(BRIP1):c.2332G>T (p.Ala778Ser)

Gene: BRIP1 (BRCA1 interacting DNA helicase 1; minus strand). Cytogenetic location: 17q23.2.
Variant type: single nucleotide variant.
Coding change: c.2332G>T on transcript NM_032043.3 (MANE Select); coding-DNA position 2332, G replaced by T.
Protein change: p.Ala778Ser; replaces alanine 778 with serine.
Molecular consequence: missense variant.
Genome position (GRCh38, 1-based): chr17:61,743,060, C>A on the plus strand (G>T on the coding strand, the complement: BRIP1 is on the minus strand). VCF-style: chr17-61743060-C-A. GRCh37 (hg19) VCF-style: chr17-59820421-C-A.
Other names: c.2332G>T (NM_032043.2); short protein forms A778S.
Identifiers: ClinVar variation 1467287 (VCV001467287.8), dbSNP rs2144676807, ClinGen allele CA400482616.
Genomic context (GRCh38, chr17:61,743,060, plus strand): 5'-TTTGATGGCCTACCTGTAGATCTTTCACATTTGGAAAAGGAATTCCTATTGTTATGACAG[C>A]ACGGGCATTGTCATCTGAGAAATCCAGACCCTCACTCACTTTACCACGACAAACTGCTAC-3'
Protein context (NP_114432.2, residues 768-788): GLDFSDDNAR[Ala778Ser]VITIGIPFPN

ClinVar aggregate classification (germline): Uncertain significance. Review status: criteria provided, multiple submitters, no conflicts (2 of 4 stars). 2 submissions from 2 submitters: Uncertain significance (2). Last evaluated 2026-07-02.

Conditions:
Familial cancer of breast. Also called: Hereditary breast cancer; BREAST CANCER, FAMILIAL; hereditary breast carcinoma. Identifiers: Orphanet 227535, MedGen C0346153, MONDO:0016419, OMIM 114480. Disease mechanism: loss of function.
Fanconi anemia complementation group J. Also called: BRIP1-Related Fanconi Anemia. Identifiers: Orphanet 84, MedGen C1836860, MONDO:0012187, OMIM 609054.
Hereditary cancer-predisposing syndrome. Also called: Hereditary Cancer Syndrome; Tumor predisposition; Neoplastic Syndromes, Hereditary; Hereditary neoplastic syndrome. Identifiers: Orphanet 140162, MedGen C0027672, MeSH D009386, MONDO:0015356.

Submissions (2):

Ambry Genetics
Classification: Uncertain significance for Hereditary cancer-predisposing syndrome. Last evaluated: 2026-07-02. Review status: criteria provided, single submitter. Criteria: Ambry Variant Classification Scheme 2023. Collection method: clinical testing. Allele origin: germline.
Comment: The p.A778S variant (also known as c.2332G>T), located in coding exon 15 of the BRIP1 gene, results from a G to T substitution at nucleotide position 2332. The alanine at codon 778 is replaced by serine, an amino acid with similar properties. This amino acid position is conserved. In addition, the in silico prediction for this alteration is inconclusive. Based on the available evidence, the clinical significance of this variant remains unclear.

Labcorp Genetics (formerly Invitae), Labcorp
Classification: Uncertain significance for Familial cancer of breast; Fanconi anemia complementation group J. Last evaluated: 2022-01-27. Review status: criteria provided, single submitter. Criteria: Invitae Variant Classification Sherloc (09022015). Collection method: clinical testing. Allele origin: germline.
Comment: This variant has not been reported in the literature in individuals affected with BRIP1-related conditions. Algorithms developed to predict the effect of missense changes on protein structure and function are either unavailable or do not agree on the potential impact of this missense change (SIFT: "Deleterious"; PolyPhen-2: "Probably Damaging"; Align-GVGD: "Class C15"). In summary, the available evidence is currently insufficient to determine the role of this variant in disease. Therefore, it has been classified as a Variant of Uncertain Significance. This variant is not present in population databases (gnomAD no frequency). This sequence change replaces alanine, which is neutral and non-polar, with serine, which is neutral and polar, at codon 778 of the BRIP1 protein (p.Ala778Ser).